The following is an entry in ClinVar:

ClinVar aggregate classification (germline): Uncertain significance. Review status: criteria provided, multiple submitters, no conflicts (2 of 4 stars). 3 submissions from 3 submitters: Uncertain significance (3). Last evaluated 2024-03-05.

Conditions:
Severe combined immunodeficiency due to LCK deficiency. Also called: Immunodeficiency 22. Identifiers: Orphanet 280142, MedGen C4014233, MONDO:0014334, OMIM 615758.

Allele frequency attached by ClinVar (database versions not stated): TOPMed 0.00012; ESP Exome Variant Server 0.00015; 1000 Genomes Project 30x 0.00016; 1000 Genomes Project 0.00020.
gnomAD v4.1: 94 of 1,614,212 alleles (0.0058%); highest among the groups gnomAD compares: East Asian, 0.071%; no homozygotes.

Submissions (3):

Ambry Genetics
Classification: Uncertain significance. Last evaluated: 2024-03-05. Review status: criteria provided, single submitter. Criteria: Ambry Variant Classification Scheme 2023. Collection method: clinical testing. Allele origin: germline.

Labcorp Genetics (formerly Invitae), Labcorp
Classification: Uncertain significance for Severe combined immunodeficiency due to LCK deficiency. Last evaluated: 2022-07-29. Review status: criteria provided, single submitter. Criteria: Invitae Variant Classification Sherloc (09022015). Collection method: clinical testing. Allele origin: germline.
Comment: This sequence change replaces leucine, which is neutral and non-polar, with valine, which is neutral and non-polar, at codon 453 of the LCK protein (p.Leu453Val). This variant is present in population databases (rs200540406, gnomAD 0.1%). This variant has not been reported in the literature in individuals affected with LCK-related conditions. ClinVar contains an entry for this variant (Variation ID: 848149). Algorithms developed to predict the effect of missense changes on protein structure and function are either unavailable or do not agree on the potential impact of this missense change (SIFT: "Deleterious"; PolyPhen-2: "Probably Damaging"; Align-GVGD: "Class C0"). In summary, the available evidence is currently insufficient to determine the role of this variant in disease. Therefore, it has been classified as a Variant of Uncertain Significance.

Blueprint Genetics
Classification: Uncertain significance. Last evaluated: 2020-11-18. Review status: criteria provided, single submitter. Criteria: ACMG Guidelines, 2015. Collection method: clinical testing. Allele origin: germline.

NM_005356.5(LCK):c.1357C>G (p.Leu453Val)

Gene: LCK (LCK proto-oncogene, Src family tyrosine kinase; plus strand). Cytogenetic location: 1p35.2.
Variant type: single nucleotide variant.
Coding change: c.1357C>G on transcript NM_005356.5 (MANE Select); coding-DNA position 1357, C replaced by G.
Protein change: p.Leu453Val; replaces leucine 453 with valine.
Molecular consequence: missense variant.
Genome position (GRCh38, 1-based): chr1:32,285,543, C>G. VCF-style: chr1-32285543-C-G. GRCh37 (hg19) VCF-style: chr1-32751144-C-G.
Other names: c.1357C>G, p.Leu453Val (NM_001042771.3); c.1204C>G, p.Leu402Val (NM_001330468.2); c.1357C>G (NM_005356.3); short protein forms L453V, L402V.
Identifiers: ClinVar variation 848149 (VCV000848149.7), dbSNP rs200540406, ClinGen allele CA741362.